The following is an entry in ClinVar:

ClinVar aggregate classification (germline): Likely benign. Review status: criteria provided, multiple submitters, no conflicts (2 of 4 stars). 2 submissions from 2 submitters: Likely benign (2). Last evaluated 2025-05-11.

gnomAD v4.1: 2 of 1,591,372 alleles (0.00013%); highest among the groups gnomAD compares: Admixed American, 0.0018%; no homozygotes.

Submissions (2):

Labcorp Genetics (formerly Invitae), Labcorp
Classification: Likely benign. Last evaluated: 2025-05-11. Review status: criteria provided, single submitter. Criteria: Invitae Variant Classification Sherloc (09022015). Collection method: clinical testing. Allele origin: germline.

CeGaT Center for Human Genetics Tuebingen
Classification: Likely benign. Last evaluated: 2024-09-01. Review status: criteria provided, single submitter. Criteria: CeGaT Center For Human Genetics Tuebingen Variant Classification Criteria Version 2. Collection method: clinical testing. Allele origin: germline. Affected: yes. Observed: 1 variant allele.
Comment: TERF2IP: BP4, BP7

NM_018975.4(TERF2IP):c.600G>A (p.Ala200=)

Gene: TERF2IP (TERF2 interacting protein; plus strand). Cytogenetic location: 16q23.1.
Variant type: single nucleotide variant.
Coding change: c.600G>A on transcript NM_018975.4 (MANE Select); coding-DNA position 600, G replaced by A.
Protein change: p.Ala200=; no amino-acid change (alanine 200 retained).
Molecular consequence: synonymous variant. On other transcripts: non-coding transcript variant (1).
Genome position (GRCh38, 1-based): chr16:75,648,482, G>A. VCF-style: chr16-75648482-G-A. GRCh37 (hg19) VCF-style: chr16-75682380-G-A.
Identifiers: ClinVar variation 3389559 (VCV003389559.15).